The following is an entry in ClinVar:

ClinVar aggregate classification (germline): Likely pathogenic (1 of 4 stars; one submission).

Conditions:
Ritscher-Schinzel syndrome 1 (RTSC1). Identifiers: Orphanet 7, MedGen C4551776, MONDO:0009073, OMIM 220210.

Submission:

Laboratorio de Genetica e Diagnostico Molecular, Hospital Israelita Albert Einstein
Classification: Likely pathogenic for Ritscher-Schinzel syndrome 1. Last evaluated: 2022-04-19. Review status: criteria provided, single submitter. Criteria: ACMG Guidelines, 2015. Collection method: clinical testing. Allele origin: germline. Affected: yes. Observed: 1 variant allele.
Comment: ACMG classification criteria: PVS1 very strong, PM2 moderated

NM_014846.4(WASHC5):c.3209del (p.Pro1070fs)

Genes: WASHC5 (WASH complex subunit 5; minus strand), LOC126860498 (P300/CBP strongly-dependent group 1 enhancer GRCh37_chr8:126043836-126045035; plus strand). Cytogenetic location: 8q24.13.
Variant type: Deletion.
Coding change: c.3209del on transcript NM_014846.4 (MANE Select); coding-DNA position 3209, one base deleted (C; older notation c.3209delC).
Protein change: p.Pro1070fs; shifts the reading frame from proline 1070.
Molecular consequence: frameshift variant.
Genome position (GRCh38, 1-based): chr8:125,032,367, G deleted on the plus strand (C on the coding strand, the reverse complement: WASHC5 is on the minus strand); the first of 3 consecutive G bases (chr8:125,032,367-125,032,369); deleting any one gives the same sequence. VCF-style (leftmost placement, unchanged base first): chr8-125032366-CG-C. GRCh37 (hg19) VCF-style: chr8-126044608-CG-C.
Other names: c.2765del, p.Pro922fs (NM_001330609.2); short protein forms P1070fs, P922fs.
Identifiers: ClinVar variation 2431692 (VCV002431692.1), dbSNP rs749859427, ClinGen allele CA4873276.
Genomic context (GRCh38, chr8:125,032,366, plus strand): 5'-CCGGGAATGGAACTGCTTCAGCAGAGTGAGCAGTCCCAGGACAAGTGGTGGCCAATCAAC[CG>C]GGTCGGTCGGTTTTCGGCAGACCATTCCTGCAAGGGAACAAGTTGCAACACCATATGAAG-3'